The following is an entry in ClinVar:

NM_004415.4(DSP):c.1298G>C (p.Arg433Pro)

Gene: DSP (desmoplakin; plus strand). Cytogenetic location: 6p24.3.
Variant type: single nucleotide variant.
Coding change: c.1298G>C on transcript NM_004415.4 (MANE Select); coding-DNA position 1298, G replaced by C.
Protein change: p.Arg433Pro; replaces arginine 433 with proline.
Molecular consequence: missense variant.
Genome position (GRCh38, 1-based): chr6:7,568,468, G>C. VCF-style: chr6-7568468-G-C. GRCh37 (hg19) VCF-style: chr6-7568701-G-C.
Other names: c.1298G>C, p.Arg433Pro (NM_001008844.3, NM_001319034.2, NM_001406591.1); short protein forms R433P.
Identifiers: ClinVar variation 4757028 (VCV004757028.1).

ClinVar aggregate classification (germline): Uncertain significance (1 of 4 stars; one submission).

Conditions:
Cardiomyopathy (CMYO). Also called: Cardiomyopathies. Identifiers: Orphanet 167848, MedGen C0878544, MONDO:0004994, HP:0001638. Inheritance: Various modes of inheritance.

Submission:

Color Diagnostics, LLC DBA Color Health
Classification: Uncertain significance for Cardiomyopathy. Last evaluated: 2025-06-23. Review status: criteria provided, single submitter. Criteria: ACMG Guidelines, 2015. Collection method: clinical testing. Allele origin: germline.
Comment: This missense variant replaces arginine with proline at codon 433 of the DSP protein. Computational prediction is inconclusive regarding the impact of this variant on protein structure and function. To our knowledge, functional studies have not been reported for this variant. This variant has not been reported in individuals affected with DSP-related disorders in the literature. This variant has not been identified in the general population by the Genome Aggregation Database (gnomAD). The available evidence is insufficient to determine the role of this variant in disease conclusively. Therefore, this variant is classified as a Variant of Uncertain Significance.